The following is an entry in ClinVar:

NM_013275.6(ANKRD11):c.4990G>A (p.Ala1664Thr)

Gene: ANKRD11 (ankyrin repeat domain 11; minus strand). Cytogenetic location: 16q24.3.
Variant type: single nucleotide variant.
Coding change: c.4990G>A on transcript NM_013275.6 (MANE Select); coding-DNA position 4990, G replaced by A.
Protein change: p.Ala1664Thr; replaces alanine 1664 with threonine.
Molecular consequence: missense variant.
Genome position (GRCh38, 1-based): chr16:89,281,552, C>T on the plus strand (G>A on the coding strand, the complement: ANKRD11 is on the minus strand). VCF-style: chr16-89281552-C-T. GRCh37 (hg19) VCF-style: chr16-89347960-C-T.
Other names: c.4990G>A, p.Ala1664Thr (NM_001256182.2, NM_001256183.2); short protein forms A1664T.
Identifiers: ClinVar variation 947820 (VCV000947820.9), dbSNP rs139814582, ClinGen allele CA8241984.
Genomic context (GRCh38, chr16:89,281,552, plus strand): 5'-GAGGGCCTGCCAGCCAGTCTTTGGAGTCTGCACCTGATGCTGGGTGTAGCTTATTTTCCG[C>T]GGCAGGTGGAATAGGAGTCGACTCTTTGAGCTTTTTGTCTTTAAATGGAGGGTCCAGCCC-3'
Protein context (NP_037407.4, residues 1654-1674): LKESTPIPPA[Ala1664Thr]ENKLHPASGA

ClinVar aggregate classification (germline): Uncertain significance (1 of 4 stars; one submission).

Conditions:
KBG syndrome (KBGS). Also called: ANKRD11-Related KBG Syndrome. Identifiers: Orphanet 2332, MedGen C0220687, MONDO:0007846, OMIM 148050.

Allele frequency attached by ClinVar (database versions not stated): gnomAD 0.00001; TOPMed 0.00002; ESP Exome Variant Server 0.00015.
gnomAD v4.1: 38 of 1,614,040 alleles (0.0024%); highest among the groups gnomAD compares: South Asian, 0.011%; no homozygotes.

Submission:

Labcorp Genetics (formerly Invitae), Labcorp
Classification: Uncertain significance for KBG syndrome. Last evaluated: 2024-10-07. Review status: criteria provided, single submitter. Criteria: Invitae Variant Classification Sherloc (09022015). Collection method: clinical testing. Allele origin: germline.
Comment: This sequence change replaces alanine, which is neutral and non-polar, with threonine, which is neutral and polar, at codon 1664 of the ANKRD11 protein (p.Ala1664Thr). This variant is present in population databases (rs139814582, gnomAD 0.02%). This variant has not been reported in the literature in individuals affected with ANKRD11-related conditions. ClinVar contains an entry for this variant (Variation ID: 947820). Invitae Evidence Modeling of protein sequence and biophysical properties (such as structural, functional, and spatial information, amino acid conservation, physicochemical variation, residue mobility, and thermodynamic stability) indicates that this missense variant is not expected to disrupt ANKRD11 protein function with a negative predictive value of 95%. In summary, the available evidence is currently insufficient to determine the role of this variant in disease. Therefore, it has been classified as a Variant of Uncertain Significance.